The following is an entry in ClinVar:

NM_006031.6(PCNT):c.8413C>T (p.Gln2805Ter)

Gene: PCNT (pericentrin; plus strand). Cytogenetic location: 21q22.3.
Variant type: single nucleotide variant.
Coding change: c.8413C>T on transcript NM_006031.6 (MANE Select); coding-DNA position 8413, C replaced by T.
Protein change: p.Gln2805Ter; replaces glutamine 2805 with a stop codon.
Molecular consequence: nonsense.
Genome position (GRCh38, 1-based): chr21:46,431,877, C>T. VCF-style: chr21-46431877-C-T. GRCh37 (hg19) VCF-style: chr21-47851791-C-T.
Other names: c.8059C>T, p.Gln2687Ter (NM_001315529.2); short protein forms Q2687*, Q2805*.
Identifiers: ClinVar variation 3353229 (VCV003353229.1).

ClinVar aggregate classification (germline): Likely pathogenic (0 of 4 stars; one submission).

Conditions:
PCNT-related disorder. Also called: PCNT-related condition.

gnomAD v4.1: 1 of 1,614,090 alleles (0.000062%); highest among the groups gnomAD compares: Non-Finnish European, 0.000085%; no homozygotes.

Submission:

PreventionGenetics, part of Exact Sciences
Classification: Likely pathogenic for PCNT-related condition. Last evaluated: 2024-06-13. Review status: no assertion criteria provided. Collection method: clinical testing. Allele origin: germline.
Comment: The PCNT c.8413C>T variant is predicted to result in premature protein termination (p.Gln2805*). This variant was reported in an individual with microcephalic osteodysplastic primordial dwarfism type 2 (Freire et al. 2022. PubMed ID: 35792504). This variant has not been reported in a large population database, indicating this variant is rare. Nonsense variants in PCNT are expected to be pathogenic. This variant is interpreted as likely pathogenic.